The following is an entry in ClinVar:

NM_032043.3(BRIP1):c.1936-8T>C

Gene: BRIP1 (BRCA1 interacting DNA helicase 1; minus strand). Cytogenetic location: 17q23.2.
Variant type: single nucleotide variant.
Coding change: c.1936-8T>C on transcript NM_032043.3 (MANE Select); 8 bases into the intron before coding-DNA position 1936, T replaced by C.
Molecular consequence: intron variant.
Genome position (GRCh38, 1-based): chr17:61,776,570, A>G on the plus strand (T>C on the coding strand, the complement: BRIP1 is on the minus strand). VCF-style: chr17-61776570-A-G. GRCh37 (hg19) VCF-style: chr17-59853931-A-G.
Identifiers: ClinVar variation 3378721 (VCV003378721.1).

ClinVar aggregate classification (germline): Likely benign (1 of 4 stars; one submission).

Conditions:
Familial cancer of breast. Also called: hereditary breast carcinoma; Hereditary breast cancer; BREAST CANCER, FAMILIAL. Identifiers: Orphanet 227535, MedGen C0346153, MONDO:0016419, OMIM 114480. Disease mechanism: loss of function.

Submission:

Myriad Genetics, Inc.
Classification: Likely benign for Familial cancer of breast. Last evaluated: 2024-08-30. Review status: criteria provided, single submitter. Criteria: Myriad Autosomal Dominant, Autosomal Recessive and X-Linked Classification Criteria (2023). Collection method: clinical testing. Allele origin: unknown.
Comment: This variant is considered likely benign. This variant is intronic and is not expected to impact mRNA splicing.